The following is an entry in ClinVar:

ClinVar aggregate classification (germline): Uncertain significance (1 of 4 stars; one submission).

Conditions:
Rubinstein-Taybi syndrome (RSTS). Identifiers: Orphanet 783, MedGen C0035934, MONDO:0019188.

gnomAD v4.1: 1 of 1,613,842 alleles (0.000062%); no homozygotes.

Submission:

Labcorp Genetics (formerly Invitae), Labcorp
Classification: Uncertain significance for Rubinstein-Taybi syndrome. Last evaluated: 2024-11-02. Review status: criteria provided, single submitter. Criteria: Invitae Variant Classification Sherloc (09022015). Collection method: clinical testing. Allele origin: germline.
Comment: This sequence change replaces proline, which is neutral and non-polar, with alanine, which is neutral and non-polar, at codon 847 of the CREBBP protein (p.Pro847Ala). This variant is not present in population databases (gnomAD no frequency). This variant has not been reported in the literature in individuals affected with CREBBP-related conditions. Invitae Evidence Modeling of protein sequence and biophysical properties (such as structural, functional, and spatial information, amino acid conservation, physicochemical variation, residue mobility, and thermodynamic stability) indicates that this missense variant is not expected to disrupt CREBBP protein function with a negative predictive value of 95%. In summary, the available evidence is currently insufficient to determine the role of this variant in disease. Therefore, it has been classified as a Variant of Uncertain Significance.

NM_004380.3(CREBBP):c.2539C>G (p.Pro847Ala)

Gene: CREBBP (CREB binding lysine acetyltransferase; minus strand). Cytogenetic location: 16p13.3.
Variant type: single nucleotide variant.
Coding change: c.2539C>G on transcript NM_004380.3 (MANE Select); coding-DNA position 2539, C replaced by G.
Protein change: p.Pro847Ala; replaces proline 847 with alanine.
Molecular consequence: missense variant.
Genome position (GRCh38, 1-based): chr16:3,770,911, G>C on the plus strand (C>G on the coding strand, the complement: CREBBP is on the minus strand). VCF-style: chr16-3770911-G-C. GRCh37 (hg19) VCF-style: chr16-3820912-G-C.
Other names: c.2425C>G, p.Pro809Ala (NM_001079846.1); short protein forms P809A, P847A.
Identifiers: ClinVar variation 3720684 (VCV003720684.2).